The following is an entry in ClinVar:

ClinVar aggregate classification (germline): Conflicting classifications of pathogenicity. Review status: criteria provided, conflicting classifications (1 of 4 stars). 4 submissions from 4 submitters: Uncertain significance (3); Likely benign (1). Last evaluated 2025-06-18.

Conditions:
Hereditary breast ovarian cancer syndrome. Also called: Hereditary breast and ovarian cancer; Hereditary breast and/or ovarian cancer syndrome; BRCA1- and BRCA2-Associated Hereditary Breast and Ovarian Cancer; Hereditary breast and ovarian cancer syndrome; Hereditary breast and ovarian cancer syndrome (HBOC); Breast and ovarian cancer. Identifiers: Orphanet 145, MedGen C0677776, MeSH D061325, MONDO:0003582. Disease mechanism: loss of function.
Hereditary cancer-predisposing syndrome. Also called: Tumor predisposition; Hereditary Cancer Syndrome; Hereditary neoplastic syndrome; Neoplastic Syndromes, Hereditary. Identifiers: Orphanet 140162, MedGen C0027672, MeSH D009386, MONDO:0015356.

Submissions (4):

Labcorp Genetics (formerly Invitae), Labcorp
Classification: Uncertain significance for Hereditary breast ovarian cancer syndrome. Last evaluated: 2025-06-18. Review status: criteria provided, single submitter. Criteria: Invitae Variant Classification Sherloc (09022015). Collection method: clinical testing. Allele origin: germline.
Comment: This sequence change replaces valine, which is neutral and non-polar, with phenylalanine, which is neutral and non-polar, at codon 2211 of the BRCA2 protein (p.Val2211Phe). This variant is not present in population databases (gnomAD no frequency). This variant has not been reported in the literature in individuals affected with BRCA2-related conditions. ClinVar contains an entry for this variant (Variation ID: 409516). Invitae Evidence Modeling of protein sequence and biophysical properties (such as structural, functional, and spatial information, amino acid conservation, physicochemical variation, residue mobility, and thermodynamic stability) indicates that this missense variant is not expected to disrupt BRCA2 protein function with a negative predictive value of 95%. Algorithms developed to predict the effect of sequence changes on RNA splicing suggest that this variant may create or strengthen a splice site. In summary, the available evidence is currently insufficient to determine the role of this variant in disease. Therefore, it has been classified as a Variant of Uncertain Significance.

Ambry Genetics
Classification: Uncertain significance for Hereditary cancer-predisposing syndrome. Last evaluated: 2025-05-31. Review status: criteria provided, single submitter. Criteria: Ambry Variant Classification Scheme 2023. Collection method: clinical testing. Allele origin: germline.
Comment: The p.V2211F variant (also known as c.6631G>T), located in coding exon 10 of the BRCA2 gene, results from a G to T substitution at nucleotide position 6631. The valine at codon 2211 is replaced by phenylalanine, an amino acid with highly similar properties. This amino acid position is not well conserved in available vertebrate species. In addition, the in silico prediction for this alteration is inconclusive. Since supporting evidence is limited at this time, the clinical significance of this alteration remains unclear.

GeneDx
Classification: Uncertain significance. Last evaluated: 2024-03-24. Review status: criteria provided, single submitter. Criteria: GeneDx Variant Classification Process June 2021. Collection method: clinical testing. Allele origin: germline. Affected: yes.
Comment: Not observed at significant frequency in large population cohorts (gnomAD); In silico analysis supports that this missense variant does not alter protein structure/function; Has not been previously published as pathogenic or benign to our knowledge; Also known as 6859G>T

University of Washington Department of Laboratory Medicine, University of Washington
Classification: Likely benign for Hereditary cancer-predisposing syndrome. Last evaluated: 2023-03-23. Review status: criteria provided, single submitter. Criteria: Dines et al. (Genet Med. 2020). Collection method: curation. Allele origin: germline.
Comment: Missense variant in a coldspot region where missense variants are very unlikely to be pathogenic (PMID:31911673).

BRCA2 exon 11 coldspot. Reclassification based on statistical prior probability.

NM_000059.4(BRCA2):c.6631G>T (p.Val2211Phe)

Gene: BRCA2 (BRCA2 DNA repair associated; plus strand). Cytogenetic location: 13q13.1.
Variant type: single nucleotide variant.
Coding change: c.6631G>T on transcript NM_000059.4 (MANE Select); coding-DNA position 6631, G replaced by T.
Protein change: p.Val2211Phe; replaces valine 2211 with phenylalanine.
Molecular consequence: missense variant.
Genome position (GRCh38, 1-based): chr13:32,340,986, G>T. VCF-style: chr13-32340986-G-T. GRCh37 (hg19) VCF-style: chr13-32915123-G-T.
Other names: short protein forms V2211F.
Identifiers: ClinVar variation 409516 (VCV000409516.11), dbSNP rs1060502445, ClinGen allele CA16614197.